The following is an entry in ClinVar:

NM_004706.4(ARHGEF1):c.615-18TC[2]

Gene: ARHGEF1 (Rho guanine nucleotide exchange factor 1; plus strand). Cytogenetic location: 19q13.2.
Variant type: Microsatellite.
Coding change: c.615-18TC[2] on transcript NM_004706.4 (MANE Select); two copies in a row of the 2-base unit TC starting at c.615-18.
Molecular consequence: intron variant.
Genome position: GRCh38 VCF-style: chr19-41893255-ATC-A. GRCh37 (hg19) VCF-style: chr19-42397326-ATC-A.
Other names: c.615-18TC[2] (NM_001396003.1, NM_001396000.1, NM_001396006.1); c.516-18TC[2] (NM_001396002.1, NM_198977.2, NM_001396004.1); c.660-18TC[2] (NM_199002.2).
Identifiers: ClinVar variation 3617193 (VCV003617193.2).

ClinVar aggregate classification (germline): Uncertain significance (1 of 4 stars; one submission).

Submission:

Labcorp Genetics (formerly Invitae), Labcorp
Classification: Uncertain significance. Last evaluated: 2024-11-17. Review status: criteria provided, single submitter. Criteria: Invitae Variant Classification Sherloc (09022015). Collection method: clinical testing. Allele origin: germline.
Comment: This sequence change falls in intron 7 of the ARHGEF1 gene. It does not directly change the encoded amino acid sequence of the ARHGEF1 protein. This variant is not present in population databases (gnomAD no frequency). This variant has not been reported in the literature in individuals affected with ARHGEF1-related conditions. Algorithms developed to predict the effect of sequence changes on RNA splicing suggest that this variant may create or strengthen a splice site. In summary, the available evidence is currently insufficient to determine the role of this variant in disease. Therefore, it has been classified as a Variant of Uncertain Significance.